The following is an entry in ClinVar:

NM_004525.3(LRP2):c.830G>T (p.Gly277Val)

Gene: LRP2 (LDL receptor related protein 2; minus strand). Cytogenetic location: 2q31.1.
Variant type: single nucleotide variant.
Coding change: c.830G>T on transcript NM_004525.3 (MANE Select); coding-DNA position 830, G replaced by T.
Protein change: p.Gly277Val; replaces glycine 277 with valine.
Molecular consequence: missense variant.
Genome position (GRCh38, 1-based): chr2:169,290,937, C>A on the plus strand (G>T on the coding strand, the complement: LRP2 is on the minus strand). VCF-style: chr2-169290937-C-A. GRCh37 (hg19) VCF-style: chr2-170147447-C-A.
Other names: short protein forms G277V.
Identifiers: ClinVar variation 1415747 (VCV001415747.3), dbSNP rs765411560, ClinGen allele CA1955735.

ClinVar aggregate classification (germline): Uncertain significance (1 of 4 stars; one submission).

Allele frequency attached by ClinVar (database versions not stated): ExAC 0.00001; gnomAD exomes 0.00001.
gnomAD v4.1: 9 of 1,614,130 alleles (0.00056%); highest among the groups gnomAD compares: South Asian, 0.0088%; no homozygotes.

Submission:

Labcorp Genetics (formerly Invitae), Labcorp
Classification: Uncertain significance. Last evaluated: 2021-09-10. Review status: criteria provided, single submitter. Criteria: Invitae Variant Classification Sherloc (09022015). Collection method: clinical testing. Allele origin: germline.
Comment: This sequence change replaces glycine with valine at codon 277 of the LRP2 protein (p.Gly277Val). The glycine residue is moderately conserved and there is a moderate physicochemical difference between glycine and valine. This variant is present in population databases (rs765411560, ExAC 0.006%). This variant has not been reported in the literature in individuals affected with LRP2-related conditions. Advanced modeling of protein sequence and biophysical properties (such as structural, functional, and spatial information, amino acid conservation, physicochemical variation, residue mobility, and thermodynamic stability) performed at Invitae indicates that this missense variant is expected to disrupt LRP2 protein function. Algorithms developed to predict the effect of sequence changes on RNA splicing suggest that this variant may create or strengthen a splice site. In summary, the available evidence is currently insufficient to determine the role of this variant in disease. Therefore, it has been classified as a Variant of Uncertain Significance.